The following is an entry in ClinVar:

ClinVar aggregate classification (germline): Uncertain significance (1 of 4 stars; one submission).

Conditions:
Irido-corneo-trabecular dysgenesis (ASGD5). Also called: ANTERIOR SEGMENT DYSGENESIS 5. Identifiers: Orphanet 708, MedGen C0344559, MONDO:0011414, OMIM 604229, HP:0000659.
Aniridia 1 (AN1). Identifiers: Orphanet 250923, MedGen C0344542, MONDO:0024507, OMIM 106210.

Submission:

Labcorp Genetics (formerly Invitae), Labcorp
Classification: Uncertain significance for Aniridia 1; Irido-corneo-trabecular dysgenesis. Last evaluated: 2023-10-03. Review status: criteria provided, single submitter. Criteria: Invitae Variant Classification Sherloc (09022015). Collection method: clinical testing. Allele origin: germline.
Comment: This sequence change replaces phenylalanine, which is neutral and non-polar, with leucine, which is neutral and non-polar, at codon 98 of the PAX6 protein (p.Phe98Leu). This variant is not present in population databases (gnomAD no frequency). This variant has not been reported in the literature in individuals affected with PAX6-related conditions. ClinVar contains an entry for this variant (Variation ID: 1423221). Advanced modeling of protein sequence and biophysical properties (such as structural, functional, and spatial information, amino acid conservation, physicochemical variation, residue mobility, and thermodynamic stability) performed at Invitae indicates that this missense variant is expected to disrupt PAX6 protein function. In summary, the available evidence is currently insufficient to determine the role of this variant in disease. Therefore, it has been classified as a Variant of Uncertain Significance.

NM_001368894.2(PAX6):c.336T>A (p.Phe112Leu)

Gene: PAX6 (paired box 6; minus strand). Cytogenetic location: 11p13.
Variant type: single nucleotide variant.
Coding change: c.336T>A on transcript NM_001368894.2 (MANE Select); coding-DNA position 336, T replaced by A.
Protein change: p.Phe112Leu; replaces phenylalanine 112 with leucine.
Molecular consequence: missense variant. On other transcripts: 5 prime UTR variant (14), non-coding transcript variant (2), intron variant (8).
Genome position (GRCh38, 1-based): chr11:31,801,624, A>T on the plus strand (T>A on the coding strand, the complement: PAX6 is on the minus strand). VCF-style: chr11-31801624-A-T. GRCh37 (hg19) VCF-style: chr11-31823172-A-T.
Other names: c.294T>A, p.Phe98Leu (NM_000280.6, NM_001127612.3, NM_001258464.2 and 10 more transcripts); c.336T>A, p.Phe112Leu (NM_001258462.3, NM_001258463.2, NM_001310158.2 and 6 more transcripts); c.-446T>A (NM_001310160.2, NM_001368902.2, NM_001368905.2); c.-115T>A (NM_001310161.3, NM_001368899.2, NM_001368900.2 and 8 more transcripts); c.537T>A, p.Phe179Leu (NM_001368910.2); c.339T>A, p.Phe113Leu (NM_001368911.2); c.411T>A, p.Phe137Leu (NM_001368918.2, NM_001368919.2); c.369T>A, p.Phe123Leu (NM_001368920.2); and 2 more; short protein forms F179L, F112L, F137L, F113L, F123L, F98L.
Identifiers: ClinVar variation 1423221 (VCV001423221.8), dbSNP rs2135091755, ClinGen allele CA379958573.